The following is an entry in ClinVar:

ClinVar aggregate classification (germline): Benign. Review status: criteria provided, multiple submitters, no conflicts (2 of 4 stars). 2 submissions from 2 submitters: Benign (2). Last evaluated 2018-06-19.

Allele frequency attached by ClinVar (database versions not stated): 1000 Genomes Project 0.03734; 1000 Genomes Project 30x 0.03904; gnomAD exomes 0.07453; TOPMed 0.07897.
gnomAD v4.1: 19,022 of 242,996 alleles (7.8%); highest among the groups gnomAD compares: Non-Finnish European, 11%; 1,050 homozygotes.

Submissions (2):

GeneDx
Classification: Benign. Last evaluated: 2018-06-19. Review status: criteria provided, single submitter. Criteria: GeneDx Variant Classification (06012015). Collection method: clinical testing. Allele origin: germline. Affected: yes.
Comment: This variant is considered likely benign or benign based on one or more of the following criteria: it is a conservative change, it occurs at a poorly conserved position in the protein, it is predicted to be benign by multiple in silico algorithms, and/or has population frequency not consistent with disease.

Breakthrough Genomics
Classification: Benign. Review status: criteria provided, single submitter. Criteria: ACMG Guidelines, 2015. Collection method: not provided. Allele origin: germline. Inheritance: Autosomal recessive inheritance. Affected: yes.

NM_016464.5(TMEM138):c.300+292G>A

Gene: TMEM138 (transmembrane protein 138; plus strand). Cytogenetic location: 11q12.2.
Variant type: single nucleotide variant.
Coding change: c.300+292G>A on transcript NM_016464.5 (MANE Select); 292 bases into the intron after coding-DNA position 300, G replaced by A.
Molecular consequence: intron variant.
Genome position (GRCh38, 1-based): chr11:61,366,508, G>A. VCF-style: chr11-61366508-G-A. GRCh37 (hg19) VCF-style: chr11-61133980-G-A.
Other names: c.126+292G>A (NM_001330281.2).
Identifiers: ClinVar variation 671928 (VCV000671928.2), dbSNP rs112830700, ClinGen allele CA13484943.